The following is an entry in ClinVar:

ClinVar aggregate classification (germline): Benign (1 of 4 stars; one submission).

Submission:

CeGaT Center for Human Genetics Tuebingen
Classification: Benign. Last evaluated: 2023-02-01. Review status: criteria provided, single submitter. Criteria: CeGaT Center For Human Genetics Tuebingen Variant Classification Criteria Version 2. Collection method: clinical testing. Allele origin: germline. Affected: yes. Observed: 2 variant alleles.
Comment: VPS13A: BS1, BS2

NM_033305.3(VPS13A):c.*274AGA[1]

Gene: VPS13A (vacuolar protein sorting 13 homolog A; plus strand). Cytogenetic location: 9q21.2.
Variant type: Microsatellite.
Coding change: c.*274AGA[1] on transcript NM_033305.3 (MANE Select); one copy of the 3-base unit AGA starting at c.*274; the reference has two copies in a row; one copy, 3 bases deleted.
Molecular consequence: 3 prime UTR variant.
Genome position (GRCh38, 1-based): chr9:77,416,283-77,416,285, AGA deleted; deleting any 3 consecutive bases within chr9:77,416,279-77,416,285 gives the same sequence; the position shown is the placement nearest the transcript's 3' end. VCF-style (leftmost placement, unchanged base first): chr9-77416278-AAAG-A. GRCh37 (hg19) VCF-style: chr9-80031194-AAAG-A.
Other names: c.*274AGA[1] (NM_001018037.2).
Identifiers: ClinVar variation 367438 (VCV000367438.29), dbSNP rs147672353, ClinGen allele CA10630490.